The following is an entry in ClinVar:

ClinVar aggregate classification (germline): Uncertain significance (1 of 4 stars; one submission).

Allele frequency attached by ClinVar (database versions not stated): gnomAD exomes below 0.00001.
gnomAD v4.1: 2 of 1,613,796 alleles (0.00012%); highest among the groups gnomAD compares: Non-Finnish European, 0.000085%; no homozygotes.

Submission:

Labcorp Genetics (formerly Invitae), Labcorp
Classification: Uncertain significance. Last evaluated: 2022-09-01. Review status: criteria provided, single submitter. Criteria: Invitae Variant Classification Sherloc (09022015). Collection method: clinical testing. Allele origin: germline.
Comment: In summary, the available evidence is currently insufficient to determine the role of this variant in disease. Therefore, it has been classified as a Variant of Uncertain Significance. Advanced modeling of protein sequence and biophysical properties (such as structural, functional, and spatial information, amino acid conservation, physicochemical variation, residue mobility, and thermodynamic stability) performed at Invitae indicates that this missense variant is not expected to disrupt CFI protein function. This variant has not been reported in the literature in individuals affected with CFI-related conditions. This variant is not present in population databases (gnomAD no frequency). This sequence change replaces leucine, which is neutral and non-polar, with arginine, which is basic and polar, at codon 174 of the CFI protein (p.Leu174Arg).

NM_000204.5(CFI):c.521T>G (p.Leu174Arg)

Gene: CFI (complement factor I; minus strand). Cytogenetic location: 4q25.
Variant type: single nucleotide variant.
Coding change: c.521T>G on transcript NM_000204.5 (MANE Select); coding-DNA position 521, T replaced by G.
Protein change: p.Leu174Arg; replaces leucine 174 with arginine.
Molecular consequence: missense variant. On other transcripts: 5 prime UTR variant (1), non-coding transcript variant (3).
Genome position (GRCh38, 1-based): chr4:109,761,654, A>C on the plus strand (T>G on the coding strand, the complement: CFI is on the minus strand). VCF-style: chr4-109761654-A-C. GRCh37 (hg19) VCF-style: chr4-110682810-A-C.
Other names: c.521T>G, p.Leu174Arg (NM_001318057.2, NM_001331035.2, NM_001375278.1 and 5 more transcripts); c.-89T>G (NM_001375284.1); short protein forms L174R.
Identifiers: ClinVar variation 1956333 (VCV001956333.5), dbSNP rs2545439905, ClinGen allele CA357862983.